The following is an entry in ClinVar:

NM_002661.5(PLCG2):c.2581+10C>G

Gene: PLCG2 (phospholipase C gamma 2; plus strand). Cytogenetic location: 16q23.3.
Variant type: single nucleotide variant.
Coding change: c.2581+10C>G on transcript NM_002661.5 (MANE Select); 10 bases into the intron after coding-DNA position 2581, C replaced by G.
Molecular consequence: intron variant.
Genome position (GRCh38, 1-based): chr16:81,928,634, C>G. VCF-style: chr16-81928634-C-G. GRCh37 (hg19) VCF-style: chr16-81962239-C-G.
Identifiers: ClinVar variation 656441 (VCV000656441.15), dbSNP rs367866295, ClinGen allele CA8194351.

ClinVar aggregate classification (germline): Conflicting classifications of pathogenicity. Review status: criteria provided, conflicting classifications (1 of 4 stars). 4 submissions from 4 submitters: Uncertain significance (1); Likely benign (2). 1 of the submissions does not count toward it. Last evaluated 2025-11-16.

Conditions:
Familial cold autoinflammatory syndrome 3 (FCAS3). Also called: FAMILIAL ATYPICAL COLD URTICARIA; ANTIBODY DEFICIENCY AND IMMUNE DYSREGULATION, PLCG2-ASSOCIATED. Identifiers: Orphanet 300359, MedGen C3280914, MONDO:0013766, OMIM 614468.
PLCG2-related disorder. Also called: PLCG2-related condition.
Autoinflammation-PLCG2-associated antibody deficiency-immune dysregulation. Also called: Autoinflammation, antibody deficiency, and immune dysregulation, plcg2-associated; AUTOINFLAMMATION, ANTIBODY DEFICIENCY, AND IMMUNE DYSREGULATION; Autoinflammation, antibody deficiency, and immune dysregulation syndrome. Identifiers: Orphanet 324530, MedGen C3553961, MONDO:0013944, OMIM 614878.

Allele frequency attached by ClinVar (database versions not stated): ExAC 0.00001; TOPMed 0.00004; gnomAD 0.00006 and 0.00008; ESP Exome Variant Server 0.00008.
gnomAD v4.1: 143 of 1,578,820 alleles (0.0091%); highest among the groups gnomAD compares: Non-Finnish European, 0.012%; no homozygotes.

Submissions (4):

Labcorp Genetics (formerly Invitae), Labcorp
Classification: Likely benign for Familial cold autoinflammatory syndrome 3. Last evaluated: 2025-11-16. Review status: criteria provided, single submitter. Criteria: Invitae Variant Classification Sherloc (09022015). Collection method: clinical testing. Allele origin: germline.

Blueprint Genetics
Classification: Likely benign. Last evaluated: 2023-05-26. Review status: criteria provided, single submitter. Criteria: ACMG Guidelines, 2015. Collection method: clinical testing. Allele origin: germline.

Fulgent Genetics
Classification: Uncertain significance for Familial cold autoinflammatory syndrome 3; Autoinflammation-PLCG2-associated antibody deficiency-immune dysregulation. Last evaluated: 2022-02-15. Review status: criteria provided, single submitter. Criteria: ACMG Guidelines, 2015. Collection method: clinical testing. Allele origin: unknown.

PreventionGenetics, part of Exact Sciences
Classification: Likely benign for PLCG2-related condition. Last evaluated: 2019-04-25. Review status: no assertion criteria provided. Collection method: clinical testing. Allele origin: germline. Not counted in ClinVar's aggregate classification.
Comment: This variant is classified as likely benign based on ACMG/AMP sequence variant interpretation guidelines (Richards et al. 2015 PMID: 25741868, with internal and published modifications).